The following is an entry in ClinVar:

ClinVar aggregate classification (germline): Pathogenic/Likely pathogenic. Review status: criteria provided, multiple submitters, no conflicts (2 of 4 stars). 3 submissions from 3 submitters: Pathogenic (1); Likely pathogenic (2). Last evaluated 2025-09-08.

Conditions:
Retinitis pigmentosa 12 (RP12). Also called: RP WITH OR WITHOUT PPRPE; RP WITH OR WITHOUT PRESERVED PARAARTERIOLE RETINAL PIGMENT EPITHELIUM; RETINITIS PIGMENTOSA WITH OR WITHOUT PARAARTERIOLAR PRESERVATION OF RETINAL PIGMENT EPITHELIUM. Identifiers: Orphanet 791, MedGen C1838647, MONDO:0010818, OMIM 600105.
Leber congenital amaurosis 8 (LCA8). Identifiers: Orphanet 65, MedGen C3151202, MONDO:0013453, OMIM 613835.
Leber congenital amaurosis (LCA). Also called: Leber's amaurosis. Identifiers: Orphanet 65, MedGen C0339527, MeSH D057130, MONDO:0018998.

Allele frequency attached by ClinVar (database versions not stated): gnomAD exomes below 0.00001; TOPMed below 0.00001; gnomAD 0.00001.
gnomAD v4.1: 3 of 1,614,058 alleles (0.00019%); highest among the groups gnomAD compares: African/African-American, 0.004%; no homozygotes.

Submissions (3):

Labcorp Genetics (formerly Invitae), Labcorp
Classification: Pathogenic for Leber congenital amaurosis 8; Retinitis pigmentosa 12. Last evaluated: 2025-09-08. Review status: criteria provided, single submitter. Criteria: Invitae Variant Classification Sherloc (09022015). Collection method: clinical testing. Allele origin: germline.
Comment: This sequence change creates a premature translational stop signal (p.Gln1320*) in the CRB1 gene. It is expected to result in an absent or disrupted protein product. Loss-of-function variants in CRB1 are known to be pathogenic (PMID: 10508521, 22065545, 23379534, 25412400, 26957898, 28041643, 29391521). This variant is present in population databases (no rsID available, gnomAD 0.01%). This variant has not been reported in the literature in individuals affected with CRB1-related conditions. ClinVar contains an entry for this variant (Variation ID: 1071990). For these reasons, this variant has been classified as Pathogenic.

Natera, Inc.
Classification: Likely pathogenic for Leber congenital amaurosis. Last evaluated: 2024-08-26. Review status: criteria provided, single submitter. Criteria: Natera Variant Classification Schema (03/2026). Collection method: clinical testing. Allele origin: germline.
Comment: The c.3958C>T variant in CRB1 is a nonsense variant predicted to introduce a stop codon at amino acid 1320. This variant is expected to result in nonsense mediated decay, truncation, or a dysfunctional protein product. This variant is rare in the general population with a frequency below the threshold expected for the associated phenotype(s). Given the available evidence, this variant is classified as Likely Pathogenic.

Baylor Genetics
Classification: Likely pathogenic for Leber congenital amaurosis 8. Last evaluated: 2023-01-18. Review status: criteria provided, single submitter. Criteria: ACMG Guidelines, 2015. Collection method: clinical testing. Allele origin: unknown.

Literature cited by the submitters: PubMed 10508521 (cited by Labcorp Genetics (formerly Invitae), Labcorp); PubMed 22065545 (cited by Labcorp Genetics (formerly Invitae), Labcorp); PubMed 23379534 (cited by Labcorp Genetics (formerly Invitae), Labcorp); PubMed 25412400 (cited by Labcorp Genetics (formerly Invitae), Labcorp); PubMed 26957898 (cited by Labcorp Genetics (formerly Invitae), Labcorp); PubMed 28041643 (cited by Labcorp Genetics (formerly Invitae), Labcorp); PubMed 29391521 (cited by Labcorp Genetics (formerly Invitae), Labcorp).

NM_201253.3(CRB1):c.3958C>T (p.Gln1320Ter)

Gene: CRB1 (crumbs cell polarity complex component 1; plus strand). Cytogenetic location: 1q31.3.
Variant type: single nucleotide variant.
Coding change: c.3958C>T on transcript NM_201253.3 (MANE Select); coding-DNA position 3958, C replaced by T.
Protein change: p.Gln1320Ter; replaces glutamine 1320 with a stop codon.
Molecular consequence: nonsense. On other transcripts: non-coding transcript variant (2).
Genome position (GRCh38, 1-based): chr1:197,442,245, C>T. VCF-style: chr1-197442245-C-T. GRCh37 (hg19) VCF-style: chr1-197411375-C-T.
Other names: c.3622C>T, p.Gln1208Ter (NM_001193640.2); c.3886C>T, p.Gln1296Ter (NM_001257965.2); c.2350C>T, p.Gln784Ter (NM_001257966.2); c.3958C>T (NM_201253.2); short protein forms Q1208*, Q1296*, Q1320*, Q784*.
Identifiers: ClinVar variation 1071990 (VCV001071990.9), dbSNP rs1246546027, ClinGen allele CA344052620.